The following is an entry in ClinVar:

ClinVar aggregate classification (germline): Uncertain significance (1 of 4 stars; one submission).

Allele frequency attached by ClinVar (database versions not stated): gnomAD 0.00001; TOPMed 0.00001.

Submission:

Labcorp Genetics (formerly Invitae), Labcorp
Classification: Uncertain significance. Last evaluated: 2023-10-16. Review status: criteria provided, single submitter. Criteria: Invitae Variant Classification Sherloc (09022015). Collection method: clinical testing. Allele origin: germline.
Comment: This sequence change replaces serine, which is neutral and polar, with threonine, which is neutral and polar, at codon 379 of the GABRB1 protein (p.Ser379Thr). This variant is not present in population databases (gnomAD no frequency). This variant has not been reported in the literature in individuals affected with GABRB1-related conditions. Advanced modeling of protein sequence and biophysical properties (such as structural, functional, and spatial information, amino acid conservation, physicochemical variation, residue mobility, and thermodynamic stability) performed at Invitae indicates that this missense variant is not expected to disrupt GABRB1 protein function. In summary, the available evidence is currently insufficient to determine the role of this variant in disease. Therefore, it has been classified as a Variant of Uncertain Significance.

NM_000812.4(GABRB1):c.1136G>C (p.Ser379Thr)

Gene: GABRB1 (gamma-aminobutyric acid type A receptor subunit beta1; plus strand). Cytogenetic location: 4p12.
Variant type: single nucleotide variant.
Coding change: c.1136G>C on transcript NM_000812.4 (MANE Select); coding-DNA position 1136, G replaced by C.
Protein change: p.Ser379Thr; replaces serine 379 with threonine.
Molecular consequence: missense variant.
Genome position (GRCh38, 1-based): chr4:47,425,729, G>C. VCF-style: chr4-47425729-G-C. GRCh37 (hg19) VCF-style: chr4-47427746-G-C.
Other names: short protein forms S379T.
Identifiers: ClinVar variation 2876859 (VCV002876859.3), dbSNP rs1729259513, ClinGen allele CA356767030.
Genomic context (GRCh38, chr4:47,425,729, plus strand): 5'-ATCAGGTCGACGCCCACGGTAACATTCTCCTCAGCACCCTGGAAATCCGGAATGAGACGA[G>C]TGGCTCGGAAGTGCTCACGAGCGTGAGCGACCCCAAGGCCACCATGTACTCCTATGACAG-3'
Protein context (NP_000803.2, residues 369-389): LSTLEIRNET[Ser379Thr]GSEVLTSVSD